The following is an entry in ClinVar:

NM_001407.3(CELSR3):c.7854G>A (p.Ala2618=)

Gene: CELSR3 (cadherin EGF LAG seven-pass G-type receptor 3; minus strand). Cytogenetic location: 3p21.31.
Variant type: single nucleotide variant.
Coding change: c.7854G>A on transcript NM_001407.3 (MANE Select); coding-DNA position 7854, G replaced by A.
Protein change: p.Ala2618=; no amino-acid change (alanine 2618 retained).
Molecular consequence: synonymous variant.
Genome position (GRCh38, 1-based): chr3:48,645,153, C>T on the plus strand (G>A on the coding strand, the complement: CELSR3 is on the minus strand). VCF-style: chr3-48645153-C-T. GRCh37 (hg19) VCF-style: chr3-48682586-C-T.
Identifiers: ClinVar variation 3035439 (VCV003035439.3), dbSNP rs769423919, ClinGen allele CA2384009.

ClinVar aggregate classification (germline): Likely benign. Review status: criteria provided, single submitter (1 of 4 stars). 2 submissions from 2 submitters: Likely benign (1). 1 of the submissions does not count toward it. Last evaluated 2022-05-10.

Conditions:
CELSR3-related disorder. Also called: CELSR3-related condition.

Allele frequency attached by ClinVar (database versions not stated): gnomAD 0.00003; TOPMed 0.00004; ExAC 0.00005.
gnomAD v4.1: 27 of 1,597,320 alleles (0.0017%); highest among the groups gnomAD compares: African/African-American, 0.012%; no homozygotes.

Submissions (2):

Blueprint Genetics
Classification: Likely benign. Last evaluated: 2022-05-10. Review status: criteria provided, single submitter. Criteria: ACMG Guidelines, 2015. Collection method: clinical testing. Allele origin: germline.

PreventionGenetics, part of Exact Sciences
Classification: Likely benign for CELSR3-related condition. Last evaluated: 2019-07-30. Review status: no assertion criteria provided. Collection method: clinical testing. Allele origin: germline. Not counted in ClinVar's aggregate classification.
Comment: This variant is classified as likely benign based on ACMG/AMP sequence variant interpretation guidelines (Richards et al. 2015 PMID: 25741868, with internal and published modifications).